The following is an entry in ClinVar:

NM_000218.3(KCNQ1):c.1319_1337dup (p.Glu449fs)

Gene: KCNQ1 (potassium voltage-gated channel subfamily Q member 1; plus strand). Cytogenetic location: 11p15.5.
Variant type: Duplication.
Coding change: c.1319_1337dup on transcript NM_000218.3 (MANE Select); coding-DNA positions 1319 to 1337, 19 bases duplicated (TCCCCCATATCACGTGCGA).
Protein change: p.Glu449fs; shifts the reading frame from glutamic acid 449.
Molecular consequence: frameshift variant.
Genome position (GRCh38, 1-based): chr11:2,588,780-2,588,798, TCCCCCATATCACGTGCGA duplicated. VCF-style (leftmost placement, unchanged base first): chr11-2588779-G-GTCCCCCATATCACGTGCGA. GRCh37 (hg19) VCF-style: chr11-2610009-G-GTCCCCCATATCACGTGCGA.
Other names: c.1223_1241dup, p.Glu417Tyrfs (NM_001406836.1); c.1049_1067dup, p.Glu359Tyrfs (NM_001406837.1); c.779_797dup, p.Glu269Tyrfs (NM_001406838.1); c.938_956dup, p.Glu322Tyrfs (NM_181798.2); c.1319_1337dupTCCCCCATATCACGTGCGA (NM_000218.2); short protein forms E449fs, E322fs.
Identifiers: ClinVar variation 1769838 (VCV001769838.2), dbSNP rs2493708534, ClinGen allele CA2580082632.
Genomic context (GRCh38, chr11:2,588,779, plus strand): 5'-AAAAAAAAGTTCAAGCTGGACAAAGACAATGGGGTGACTCCTGGAGAGAAGATGCTCACA[G>GTCCCCCATATCACGTGCGA]TCCCCCATATCACGTGCGACCCCCCAGAAGAGCGGCGGCTGGACCACTTCTCTGTCGACG-3'

ClinVar aggregate classification (germline): Pathogenic (1 of 4 stars; one submission).

Conditions:
Cardiovascular phenotype. Identifiers: MedGen CN230736.

Submission:

Ambry Genetics
Classification: Pathogenic for Cardiovascular phenotype. Last evaluated: 2021-11-08. Review status: criteria provided, single submitter. Criteria: Ambry Variant Classification Scheme 2023. Collection method: clinical testing. Allele origin: germline.
Comment: The c.1319_1337dup19 pathogenic mutation, located in coding exon 10 of the KCNQ1 gene, results from a duplication of 19 nucleotides (TCCCCCATATCACGTGCGA) at nucleotide positions 1319 to 1337, causing a translational frameshift with a predicted alternate stop codon (p.E449Yfs*20). This variant is considered to be rare based on population cohorts in the Genome Aggregation Database (gnomAD). This alteration is expected to result in loss of function by premature protein truncation or nonsense-mediated mRNA decay. As such, this alteration is interpreted as a disease-causing mutation.